The following is an entry in ClinVar:

ClinVar aggregate classification (germline): Uncertain significance (1 of 4 stars; one submission).

Conditions:
Lafora disease. Also called: Epilepsy progressive myoclonic 2; Progressive Myoclonus Epilepsy, Lafora Type. Identifiers: Orphanet 501, MedGen C0751783, MONDO:0009697.

Submission:

Labcorp Genetics (formerly Invitae), Labcorp
Classification: Uncertain significance for Lafora disease. Last evaluated: 2025-05-17. Review status: criteria provided, single submitter. Criteria: Invitae Variant Classification Sherloc (09022015). Collection method: clinical testing. Allele origin: germline.
Comment: This sequence change replaces glycine, which is neutral and non-polar, with glutamic acid, which is acidic and polar, at codon 165 of the NHLRC1 protein (p.Gly165Glu). This variant is not present in population databases (gnomAD no frequency). This variant has not been reported in the literature in individuals affected with NHLRC1-related conditions. ClinVar contains an entry for this variant (Variation ID: 462940). Invitae Evidence Modeling of protein sequence and biophysical properties (such as structural, functional, and spatial information, amino acid conservation, physicochemical variation, residue mobility, and thermodynamic stability) indicates that this missense variant is expected to disrupt NHLRC1 protein function with a positive predictive value of 95%. In summary, the available evidence is currently insufficient to determine the role of this variant in disease. Therefore, it has been classified as a Variant of Uncertain Significance.

NM_198586.3(NHLRC1):c.494G>A (p.Gly165Glu)

Gene: NHLRC1 (NHL repeat containing E3 ubiquitin protein ligase 1; minus strand). Cytogenetic location: 6p22.3.
Variant type: single nucleotide variant.
Coding change: c.494G>A on transcript NM_198586.3 (MANE Select); coding-DNA position 494, G replaced by A.
Protein change: p.Gly165Glu; replaces glycine 165 with glutamic acid.
Molecular consequence: missense variant.
Genome position (GRCh38, 1-based): chr6:18,122,113, C>T on the plus strand (G>A on the coding strand, the complement: NHLRC1 is on the minus strand). VCF-style: chr6-18122113-C-T. GRCh37 (hg19) VCF-style: chr6-18122344-C-T.
Other names: short protein forms G165E.
Identifiers: ClinVar variation 462940 (VCV000462940.9), dbSNP rs1554136449, ClinGen allele CA362827822.
Genomic context (GRCh38, chr6:18,122,113, plus strand): 5'-TCGTTGGTGATGGTGACATCCACAGGGTACCTAATGTCTTGGGCAGCGTCCCCCTTCTCT[C>T]CAAACTGATGCGCGCATCCTCCCCCTGAGTCAAAAATCTTGACACGCCTCCTGCCGTCGT-3'
Protein context (NP_940988.2, residues 155-175): DSGGGCAHQF[Gly165Glu]EKGDAAQDIR